The following is an entry in ClinVar:

NM_001080449.3(DNA2):c.1647-342C>T

Gene: DNA2 (DNA replication helicase/nuclease 2; minus strand). Cytogenetic location: 10q21.3.
Variant type: single nucleotide variant.
Coding change: c.1647-342C>T on transcript NM_001080449.3 (MANE Select); 342 bases into the intron before coding-DNA position 1647, C replaced by T.
Molecular consequence: intron variant.
Genome position (GRCh38, 1-based): chr10:68,432,852, G>A on the plus strand (C>T on the coding strand, the complement: DNA2 is on the minus strand). VCF-style: chr10-68432852-G-A. GRCh37 (hg19) VCF-style: chr10-70192609-G-A.
Identifiers: ClinVar variation 673693 (VCV000673693.1), dbSNP rs79463331, ClinGen allele CA208203775.

ClinVar aggregate classification (germline): Benign (1 of 4 stars; one submission).

Allele frequency attached by ClinVar (database versions not stated): 1000 Genomes Project 0.02396; gnomAD 0.02535 and 0.02748; 1000 Genomes Project 30x 0.02623; TOPMed 0.02818.
gnomAD v4.1: 3,833 of 152,216 alleles (2.5%); highest among the groups gnomAD compares: African/African-American, 8.7%; 158 homozygotes.

Submission:

GeneDx
Classification: Benign. Last evaluated: 2018-06-16. Review status: criteria provided, single submitter. Criteria: GeneDx Variant Classification (06012015). Collection method: clinical testing. Allele origin: germline. Affected: yes.
Comment: This variant is considered likely benign or benign based on one or more of the following criteria: it is a conservative change, it occurs at a poorly conserved position in the protein, it is predicted to be benign by multiple in silico algorithms, and/or has population frequency not consistent with disease.